The following is an entry in ClinVar:

ClinVar aggregate classification (germline): Uncertain significance (1 of 4 stars; one submission).

Conditions:
Neuropathy, hereditary sensory and autonomic, type 2A (HSAN2A). Also called: WNK1-Related HSAN2 (HSAN2A); ACROOSTEOLYSIS, GIACCAI TYPE; ACROOSTEOLYSIS, NEUROGENIC; MORVAN DISEASE; NEUROPATHY, CONGENITAL SENSORY; NEUROPATHY, HEREDITARY SENSORY RADICULAR, AUTOSOMAL RECESSIVE. Identifiers: Orphanet 970, MedGen C2752089, MONDO:0024309, OMIM 201300.
Pseudohypoaldosteronism type 2C (PHA2C). Also called: Pseudohypoaldosteronism Type IIC. Identifiers: Orphanet 757, Orphanet 88940, MedGen C1840391, MONDO:0013778, OMIM 614492.

Submission:

Labcorp Genetics (formerly Invitae), Labcorp
Classification: Uncertain significance for Neuropathy, hereditary sensory and autonomic, type 2A; Pseudohypoaldosteronism type 2C. Last evaluated: 2025-11-09. Review status: criteria provided, single submitter. Criteria: Invitae Variant Classification Sherloc (09022015). Collection method: clinical testing. Allele origin: germline.
Comment: This sequence change replaces isoleucine, which is neutral and non-polar, with methionine, which is neutral and non-polar, at codon 85 of the WNK1 protein (p.Ile85Met). This variant is not present in population databases (gnomAD no frequency). This variant has not been reported in the literature in individuals affected with WNK1-related conditions. Experimental studies and prediction algorithms are not available or were not evaluated, and the functional significance of this variant is currently unknown. In summary, the available evidence is currently insufficient to determine the role of this variant in disease. Therefore, it has been classified as a Variant of Uncertain Significance.

NM_018979.4(WNK1):c.255C>G (p.Ile85Met)

Gene: WNK1 (WNK lysine deficient protein kinase 1; plus strand). Cytogenetic location: 12p13.33.
Variant type: single nucleotide variant.
Coding change: c.255C>G on transcript NM_018979.4 (MANE Select); coding-DNA position 255, C replaced by G.
Protein change: p.Ile85Met; replaces isoleucine 85 with methionine.
Molecular consequence: missense variant.
Genome position (GRCh38, 1-based): chr12:753,820, C>G. VCF-style: chr12-753820-C-G. GRCh37 (hg19) VCF-style: chr12-862986-C-G.
Other names: c.255C>G, p.Ile85Met (NM_001184985.2, NM_014823.3, NM_213655.5); short protein forms I85M.
Identifiers: ClinVar variation 4786602 (VCV004786602.1).